The following is an entry in ClinVar:

ClinVar aggregate classification (germline): Uncertain significance (1 of 4 stars; one submission).

Allele frequency attached by ClinVar (database versions not stated): TOPMed below 0.00001; gnomAD 0.00001.
gnomAD v4.1: 1 of 1,613,964 alleles (0.000062%); highest among the groups gnomAD compares: East Asian, 0.0022%; no homozygotes.

Submission:

Labcorp Genetics (formerly Invitae), Labcorp
Classification: Uncertain significance. Last evaluated: 2023-07-18. Review status: criteria provided, single submitter. Criteria: Invitae Variant Classification Sherloc (09022015). Collection method: clinical testing. Allele origin: germline.
Comment: This sequence change affects codon 379 of the TNNI3K mRNA. It is a 'silent' change, meaning that it does not change the encoded amino acid sequence of the TNNI3K protein. This variant is not present in population databases (gnomAD no frequency). This variant has not been reported in the literature in individuals affected with TNNI3K-related conditions. Algorithms developed to predict the effect of sequence changes on RNA splicing suggest that this variant may create or strengthen a splice site. In summary, the available evidence is currently insufficient to determine the role of this variant in disease. Therefore, it has been classified as a Variant of Uncertain Significance.

NM_015978.3(TNNI3K):c.1137A>G (p.Glu379=)

Genes: FPGT-TNNI3K (FPGT-TNNI3K readthrough; plus strand), TNNI3K (TNNI3 interacting kinase; plus strand). Cytogenetic location: 1p31.1.
Variant type: single nucleotide variant.
Coding change: c.1137A>G on transcript NM_015978.3 (MANE Select); coding-DNA position 1137, A replaced by G.
Protein change: p.Glu379=; no amino-acid change (glutamic acid 379 retained).
Molecular consequence: synonymous variant.
Genome position (GRCh38, 1-based): chr1:74,354,089, A>G. VCF-style: chr1-74354089-A-G. GRCh37 (hg19) VCF-style: chr1-74819773-A-G.
Other names: c.1440A>G, p.Glu480= (NM_001112808.3, NM_001199327.2).
Identifiers: ClinVar variation 2744715 (VCV002744715.3), dbSNP rs1363765520, ClinGen allele CA418324780.
Genomic context (GRCh38, chr1:74,354,089, plus strand): 5'-ACTGGATAATGGAGCTGATATGAATCTAGTGGCTTGTGATCCCAGCAGGTCTAGTGGTGA[A>G]AAAGATGAGCAGACATGTTTGATGTGGGCTTATGAAAAAGGTATATTTTTAATCATCGTG-3'
Protein context (NP_057062.1, residues 369-389): VACDPSRSSG[Glu379=]KDEQTCLMWA